The following is an entry in ClinVar:

NM_001382567.1(STIM1):c.710C>G (p.Ser237Cys)

Gene: STIM1 (stromal interaction molecule 1; plus strand). Cytogenetic location: 11p15.4.
Variant type: single nucleotide variant.
Coding change: c.710C>G on transcript NM_001382567.1 (MANE Select); coding-DNA position 710, C replaced by G.
Protein change: p.Ser237Cys; replaces serine 237 with cysteine.
Molecular consequence: missense variant. On other transcripts: non-coding transcript variant (2).
Genome position (GRCh38, 1-based): chr11:4,070,122, C>G. VCF-style: chr11-4070122-C-G. GRCh37 (hg19) VCF-style: chr11-4091352-C-G.
Other names: c.710C>G, p.Ser237Cys (NM_001277961.3, NM_001277962.2, NM_001382568.1 and 2 more transcripts); c.488C>G, p.Ser163Cys (NM_001382566.1, NM_001382573.1, NM_001382574.1 and 5 more transcripts); c.575C>G, p.Ser192Cys (NM_001382569.1); c.482C>G, p.Ser161Cys (NM_001382570.1); c.230C>G, p.Ser77Cys (NM_001382571.1); c.221C>G, p.Ser74Cys (NM_001382580.1, NM_001382581.1); short protein forms S161C, S163C, S192C, S237C, S74C, S77C.
Identifiers: ClinVar variation 3381550 (VCV003381550.1).
Genomic context (GRCh38, chr11:4,070,122, plus strand): 5'-TGGTGTCTATCGTTATTGGTGTGGGCGGCTGCTGGTTTGCCTATATCCAGAACCGTTACT[C>G]CAAGGAGCACATGAAGAAGATGATGAAGGACTTGGAGGGGTTACACCGAGCTGAGCAGAG-3'
Protein context (NP_001369496.1, residues 227-247): CWFAYIQNRY[Ser237Cys]KEHMKKMMKD

ClinVar aggregate classification (germline): Uncertain significance (1 of 4 stars; one submission).

Submission:

GeneDx
Classification: Uncertain significance. Last evaluated: 2024-05-21. Review status: criteria provided, single submitter. Criteria: GeneDx Variant Classification Process June 2021. Collection method: clinical testing. Allele origin: germline. Affected: yes.
Comment: Functional studies suggest that the p.(S237C) variant may result in the constitutive activation of STIM1, indicative of a gain of function effect; however, additional studies are needed to validate the functional effect of this variant (PMID: 29298434); Not observed at significant frequency in large population cohorts (gnomAD); In silico analysis supports that this missense variant has a deleterious effect on protein structure/function; This variant is associated with the following publications: (PMID: 29298434)